The following is an entry in ClinVar:

ClinVar aggregate classification (germline): Benign (1 of 4 stars; one submission).

Allele frequency attached by ClinVar (database versions not stated): gnomAD 0.07222; 1000 Genomes Project 0.07628; TOPMed 0.07731; 1000 Genomes Project 30x 0.08057.
gnomAD v4.1: 18,240 of 611,788 alleles (3%); highest among the groups gnomAD compares: African/African-American, 21%; 1,326 homozygotes.

Submission:

GeneDx
Classification: Benign. Last evaluated: 2018-06-14. Review status: criteria provided, single submitter. Criteria: GeneDx Variant Classification (06012015). Collection method: clinical testing. Allele origin: germline. Affected: yes.
Comment: This variant is considered likely benign or benign based on one or more of the following criteria: it is a conservative change, it occurs at a poorly conserved position in the protein, it is predicted to be benign by multiple in silico algorithms, and/or has population frequency not consistent with disease.

NM_017882.3(CLN6):c.298-196A>G

Gene: CLN6 (CLN6 transmembrane ER protein; minus strand). Cytogenetic location: 15q23.
Variant type: single nucleotide variant.
Coding change: c.298-196A>G on transcript NM_017882.3 (MANE Select); 196 bases into the intron before coding-DNA position 298, A replaced by G.
Molecular consequence: intron variant.
Genome position (GRCh38, 1-based): chr15:68,212,059, T>C on the plus strand (A>G on the coding strand, the complement: CLN6 is on the minus strand). VCF-style: chr15-68212059-T-C. GRCh37 (hg19) VCF-style: chr15-68504397-T-C.
Identifiers: ClinVar variation 679916 (VCV000679916.1), dbSNP rs61281446, ClinGen allele CA16509073.